The following is an entry in ClinVar:

NM_000081.4(LYST):c.4649A>G (p.Gln1550Arg)

Gene: LYST (lysosomal trafficking regulator; minus strand). Cytogenetic location: 1q42.3.
Variant type: single nucleotide variant.
Coding change: c.4649A>G on transcript NM_000081.4 (MANE Select); coding-DNA position 4649, A replaced by G.
Protein change: p.Gln1550Arg; replaces glutamine 1550 with arginine.
Molecular consequence: missense variant.
Genome position (GRCh38, 1-based): chr1:235,788,740, T>C on the plus strand (A>G on the coding strand, the complement: LYST is on the minus strand). VCF-style: chr1-235788740-T-C. GRCh37 (hg19) VCF-style: chr1-235952040-T-C.
Other names: c.4649A>G, p.Gln1550Arg (NM_001301365.1); short protein forms Q1550R.
Identifiers: ClinVar variation 1472723 (VCV001472723.7), dbSNP rs2526869210, ClinGen allele CA344958151.
Genomic context (GRCh38, chr1:235,788,740, plus strand): 5'-GAGGCTGAGGATAATCAATACCGAAAGATAAGAGTGGCATTGTGGGGATCAGCCCACACT[T>C]GGATCATCAACGCTTTGGATCCCAGTGAAATTATATGAATACATCCTTCTTCTATGAGTC-3'
Protein context (NP_000072.2, residues 1540-1560): ISLGSKALMI[Gln1550Arg]VWADPHNATL

ClinVar aggregate classification (germline): Uncertain significance (1 of 4 stars; one submission).

Conditions:
Chédiak-Higashi syndrome (CHS). Also called: Chediak-Higashi Syndrome. Identifiers: Orphanet 167, MedGen C0007965, MONDO:0008963, OMIM 214500.

Submission:

Labcorp Genetics (formerly Invitae), Labcorp
Classification: Uncertain significance for Chédiak-Higashi syndrome. Last evaluated: 2020-12-22. Review status: criteria provided, single submitter. Criteria: Invitae Variant Classification Sherloc (09022015). Collection method: clinical testing. Allele origin: germline.
Comment: In summary, the available evidence is currently insufficient to determine the role of this variant in disease. Therefore, it has been classified as a Variant of Uncertain Significance. Algorithms developed to predict the effect of missense changes on protein structure and function (SIFT, PolyPhen-2, Align-GVGD) all suggest that this variant is likely to be tolerated, but these predictions have not been confirmed by published functional studies and their clinical significance is uncertain. This variant has not been reported in the literature in individuals with LYST-related conditions. This variant is not present in population databases (ExAC no frequency). This sequence change replaces glutamine with arginine at codon 1550 of the LYST protein (p.Gln1550Arg). The glutamine residue is moderately conserved and there is a small physicochemical difference between glutamine and arginine.